The following is an entry in ClinVar:

ClinVar aggregate classification (germline): Uncertain significance (1 of 4 stars; one submission).

Conditions:
PSMC5-related neurodevelopmental disorder.

Submission:

Clinical Genomics Laboratory, Washington University in St. Louis
Classification: Uncertain significance for PSMC5-related neurodevelopmental disorder. Last evaluated: 2024-05-21. Review status: criteria provided, single submitter. Criteria: ACMG Guidelines, 2015. Collection method: clinical testing. Allele origin: germline.
Comment: The PSMC5 c.1177_1179del (p.Lys393del), to our knowledge, has not been reported in the medical literature. This variant is absent from the general population (gnomAD v.2.1.1), indicating it is not a common variant. This variant is predicted to cause a change in the length of the protein due to an in-frame deletion of a single amino acid in a non-repeat region. Due to limited information, the clinical significance of this variant is uncertain.

NM_002805.6(PSMC5):c.1177_1179del (p.Lys393del)

Gene: PSMC5 (proteasome 26S subunit, ATPase 5; plus strand). Cytogenetic location: 17q23.3.
Variant type: Deletion.
Coding change: c.1177_1179del on transcript NM_002805.6 (MANE Select); coding-DNA positions 1177 to 1179, 3 bases deleted (AAG; older notation c.1177_1179delAAG).
Protein change: p.Lys393del; deletes lysine 393.
Genome position (GRCh38, 1-based): chr17:63,831,925-63,831,927, AAG deleted; deleting any 3 consecutive bases within chr17:63,831,923-63,831,927 gives the same sequence; the c. name uses the placement nearest the transcript's 3' end. VCF-style (leftmost placement, unchanged base first): chr17-63831922-CAGA-C. GRCh37 (hg19) VCF-style: chr17-61909282-CAGA-C.
Other names: c.1153_1155del, p.Lys385del (NM_001199163.2); short protein forms K385del, K393del.
Identifiers: ClinVar variation 3600378 (VCV003600378.1).
Genomic context (GRCh38, chr17:63,831,922, plus strand): 5'-GCTAGGGCATGTGTGTGTTCGTAACTTAATGTTCATTCTCTCTCCCACCCCTAGGTCATG[CAGA>C]AGGACAGTGAGAAAAACATGTCCATCAAGAAATTATGGAAGTGAGTGGACAGCCTTTGTG-3'